The following is an entry in ClinVar:

NM_005559.4(LAMA1):c.4445G>A (p.Gly1482Asp)

Gene: LAMA1 (laminin subunit alpha 1; minus strand). Cytogenetic location: 18p11.31.
Variant type: single nucleotide variant.
Coding change: c.4445G>A on transcript NM_005559.4 (MANE Select); coding-DNA position 4445, G replaced by A.
Protein change: p.Gly1482Asp; replaces glycine 1482 with aspartic acid.
Molecular consequence: missense variant.
Genome position (GRCh38, 1-based): chr18:6,999,935, C>T on the plus strand (G>A on the coding strand, the complement: LAMA1 is on the minus strand). VCF-style: chr18-6999935-C-T. GRCh37 (hg19) VCF-style: chr18-6999934-C-T.
Other names: c.4445G>A (NM_005559.3); short protein forms G1482D.
Identifiers: ClinVar variation 2178662 (VCV002178662.5), dbSNP rs371972508, ClinGen allele CA295764884.

ClinVar aggregate classification (germline): Uncertain significance. Review status: criteria provided, multiple submitters, no conflicts (2 of 4 stars). 2 submissions from 2 submitters: Uncertain significance (2). Last evaluated 2023-10-16.

Conditions:
Inborn genetic diseases. Identifiers: MedGen C0950123, MeSH D030342.

Allele frequency attached by ClinVar (database versions not stated): gnomAD 0.00001; TOPMed 0.00001; ESP Exome Variant Server 0.00008.
gnomAD v4.1: 5 of 1,613,956 alleles (0.00031%); highest among the groups gnomAD compares: Admixed American, 0.0017%; no homozygotes.

Submissions (2):

Ambry Genetics
Classification: Uncertain significance for Inborn genetic diseases. Last evaluated: 2023-10-16. Review status: criteria provided, single submitter. Criteria: Ambry Variant Classification Scheme 2023. Collection method: clinical testing. Allele origin: germline.

Labcorp Genetics (formerly Invitae), Labcorp
Classification: Uncertain significance. Last evaluated: 2022-03-20. Review status: criteria provided, single submitter. Criteria: Invitae Variant Classification Sherloc (09022015). Collection method: clinical testing. Allele origin: germline.
Comment: This variant has not been reported in the literature in individuals affected with LAMA1-related conditions. This variant is present in population databases (rs371972508, gnomAD 0.003%). This sequence change replaces glycine, which is neutral and non-polar, with aspartic acid, which is acidic and polar, at codon 1482 of the LAMA1 protein (p.Gly1482Asp). Algorithms developed to predict the effect of missense changes on protein structure and function are either unavailable or do not agree on the potential impact of this missense change (SIFT: "Deleterious"; PolyPhen-2: "Probably Damaging"; Align-GVGD: "Class C0"). In summary, the available evidence is currently insufficient to determine the role of this variant in disease. Therefore, it has been classified as a Variant of Uncertain Significance.